The following is an entry in ClinVar:

NM_001457.4(FLNB):c.3607A>T (p.Thr1203Ser)

Gene: FLNB (filamin B; plus strand). Cytogenetic location: 3p14.3.
Variant type: single nucleotide variant.
Coding change: c.3607A>T on transcript NM_001457.4 (MANE Select); coding-DNA position 3607, A replaced by T.
Protein change: p.Thr1203Ser; replaces threonine 1203 with serine.
Molecular consequence: missense variant.
Genome position (GRCh38, 1-based): chr3:58,123,573, A>T. VCF-style: chr3-58123573-A-T. GRCh37 (hg19) VCF-style: chr3-58109300-A-T.
Other names: c.3607A>T, p.Thr1203Ser (NM_001164317.2, NM_001164318.2, NM_001164319.2); short protein forms T1203S.
Identifiers: ClinVar variation 4801708 (VCV004801708.1).

ClinVar aggregate classification (germline): Uncertain significance (1 of 4 stars; one submission).

Submission:

Labcorp Genetics (formerly Invitae), Labcorp
Classification: Uncertain significance. Last evaluated: 2025-03-05. Review status: criteria provided, single submitter. Criteria: Invitae Variant Classification Sherloc (09022015). Collection method: clinical testing. Allele origin: germline.
Comment: This sequence change replaces threonine, which is neutral and polar, with serine, which is neutral and polar, at codon 1203 of the FLNB protein (p.Thr1203Ser). This variant is not present in population databases (gnomAD no frequency). This variant has not been reported in the literature in individuals affected with FLNB-related conditions. Invitae Evidence Modeling of protein sequence and biophysical properties (such as structural, functional, and spatial information, amino acid conservation, physicochemical variation, residue mobility, and thermodynamic stability) indicates that this missense variant is not expected to disrupt FLNB protein function with a negative predictive value of 95%. In summary, the available evidence is currently insufficient to determine the role of this variant in disease. Therefore, it has been classified as a Variant of Uncertain Significance.